The following is an entry in ClinVar:

ClinVar aggregate classification (germline): Uncertain significance (1 of 4 stars; one submission).

Conditions:
Periodic fever-infantile enterocolitis-autoinflammatory syndrome. Also called: Autoinflammation with infantile enterocolitis. Identifiers: Orphanet 436166, MedGen C4015067, MONDO:0014472, OMIM 616050.
Familial cold autoinflammatory syndrome 4 (FCAS4). Identifiers: Orphanet 47045, Orphanet 576349, MedGen C4015276, MONDO:0014498, OMIM 616115.

Submission:

Labcorp Genetics (formerly Invitae), Labcorp
Classification: Uncertain significance for Periodic fever-infantile enterocolitis-autoinflammatory syndrome; Familial cold autoinflammatory syndrome 4. Last evaluated: 2017-12-26. Review status: criteria provided, single submitter. Criteria: Invitae Variant Classification Sherloc (09022015). Collection method: clinical testing. Allele origin: germline.
Comment: In summary, the available evidence is currently insufficient to determine the role of this variant in disease. Therefore, it has been classified as a Variant of Uncertain Significance. Algorithms developed to predict the effect of missense changes on protein structure and function do not agree on the potential impact of this missense change (SIFT: "Deleterious"; PolyPhen-2: "Probably Damaging"; Align-GVGD: "Class C0"). This variant has not been reported in the literature in individuals with NLRC4-related disease. This variant is not present in population databases (ExAC no frequency). This sequence change replaces leucine with isoleucine at codon 339 of the NLRC4 protein (p.Leu339Ile). The leucine residue is highly conserved and there is a small physicochemical difference between leucine and isoleucine.

NM_001199138.2(NLRC4):c.1015C>A (p.Leu339Ile)

Gene: NLRC4 (NLR family CARD domain containing 4; minus strand). Cytogenetic location: 2p22.3.
Variant type: single nucleotide variant.
Coding change: c.1015C>A on transcript NM_001199138.2 (MANE Select); coding-DNA position 1015, C replaced by A.
Protein change: p.Leu339Ile; replaces leucine 339 with isoleucine.
Molecular consequence: missense variant. On other transcripts: intron variant (1).
Genome position (GRCh38, 1-based): chr2:32,250,849, G>T on the plus strand (C>A on the coding strand, the complement: NLRC4 is on the minus strand). VCF-style: chr2-32250849-G-T. GRCh37 (hg19) VCF-style: chr2-32475918-G-T.
Other names: c.1015C>A, p.Leu339Ile (NM_001199139.2, NM_021209.5); c.262+1570C>A (NM_001302504.1); short protein forms L339I.
Identifiers: ClinVar variation 542042 (VCV000542042.8), dbSNP rs1553347334, ClinGen allele CA346513761.